The following is an entry in ClinVar:

ClinVar aggregate classification (germline): Uncertain significance (1 of 4 stars; one submission).

Allele frequency attached by ClinVar (database versions not stated): ExAC 0.00002; TOPMed 0.00003; gnomAD 0.00002; gnomAD exomes 0.00003.
gnomAD v4.1: 49 of 1,613,760 alleles (0.003%); highest among the groups gnomAD compares: Admixed American, 0.013%; no homozygotes.

Submission:

Labcorp Genetics (formerly Invitae), Labcorp
Classification: Uncertain significance. Last evaluated: 2022-03-22. Review status: criteria provided, single submitter. Criteria: Invitae Variant Classification Sherloc (09022015). Collection method: clinical testing. Allele origin: germline.
Comment: This sequence change replaces leucine, which is neutral and non-polar, with phenylalanine, which is neutral and non-polar, at codon 1843 of the CEP250 protein (p.Leu1843Phe). This variant is present in population databases (rs768979527, gnomAD 0.01%). This variant has not been reported in the literature in individuals affected with CEP250-related conditions. Algorithms developed to predict the effect of missense changes on protein structure and function are either unavailable or do not agree on the potential impact of this missense change (SIFT: "Not Available"; PolyPhen-2: "Probably Damaging"; Align-GVGD: "Not Available"). In summary, the available evidence is currently insufficient to determine the role of this variant in disease. Therefore, it has been classified as a Variant of Uncertain Significance.

NM_007186.6(CEP250):c.5527C>T (p.Leu1843Phe)

Gene: CEP250 (centrosomal protein 250; plus strand). Cytogenetic location: 20q11.22.
Variant type: single nucleotide variant.
Coding change: c.5527C>T on transcript NM_007186.6 (MANE Select); coding-DNA position 5527, C replaced by T.
Protein change: p.Leu1843Phe; replaces leucine 1843 with phenylalanine.
Molecular consequence: missense variant.
Genome position (GRCh38, 1-based): chr20:35,503,896, C>T. VCF-style: chr20-35503896-C-T. GRCh37 (hg19) VCF-style: chr20-34091724-C-T.
Other names: c.3631C>T, p.Leu1211Phe (NM_001318219.1); short protein forms L1843F, L1211F.
Identifiers: ClinVar variation 1386711 (VCV001386711.5), dbSNP rs768979527, ClinGen allele CA9833885.